The following is an entry in ClinVar:

ClinVar aggregate classification (germline): Likely pathogenic (1 of 4 stars; one submission).

Conditions:
Biotinidase deficiency. Also called: BTD deficiency; Late-onset biotin-responsive multiple carboxylase deficiency; Biotin deficiency. Identifiers: Orphanet 79241, MedGen C0220754, MONDO:0009665, OMIM 253260.

Submission:

Natera, Inc.
Classification: Likely pathogenic for Biotinidase deficiency. Last evaluated: 2025-05-21. Review status: criteria provided, single submitter. Criteria: Natera Variant Classification Schema (03/2026). Collection method: clinical testing. Allele origin: germline.
Comment: The c.1603C>G variant in BTD is a missense variant predicted to cause substitution of leucine to valine at amino acid 535. This variant is rare in the general population with a frequency below the threshold expected for the associated phenotype(s). This variant has been observed in one or more individuals affected with the associated recessive disease, as either homozygous or compound heterozygous with a second variant (PMID: 38299772). This variant has been identified in one or more affected individuals with a phenotype highly consistent with the associated gene (PMID: 38299772). Computational prediction algorithms indicate this variant is likely to affect gene or protein function. Given the available evidence, this variant is classified as Likely Pathogenic.

Literature cited by the submitters: PubMed 38299772.

NM_000060.4:c.1603C>G

Variant type: single nucleotide variant.
Other names: c.1603C>G (NM_000060.4).
Identifiers: ClinVar variation 4815993 (VCV004815993.1).